The following is an entry in ClinVar:

ClinVar aggregate classification (germline): Conflicting classifications of pathogenicity. Review status: criteria provided, conflicting classifications (1 of 4 stars). 6 submissions from 6 submitters: Uncertain significance (4); Benign (1). 1 of the submissions does not count toward it. Last evaluated 2025-11-25.

Conditions:
Lynch syndrome. Identifiers: Orphanet 144, MedGen C4552100, MONDO:0005835. Disease mechanism: loss of function.
Malignant tumor of breast. Also called: Malignant breast neoplasm; Cancer breast. Identifiers: MedGen C0006142, MONDO:0007254. Disease mechanism: loss of function.
Hereditary cancer-predisposing syndrome. Also called: Tumor predisposition; Hereditary Cancer Syndrome; Hereditary neoplastic syndrome; Neoplastic Syndromes, Hereditary. Identifiers: Orphanet 140162, MedGen C0027672, MeSH D009386, MONDO:0015356.
Hereditary nonpolyposis colorectal neoplasms. Identifiers: MedGen C0009405, MeSH D003123.

Allele frequency attached by ClinVar (database versions not stated): TOPMed 0.00001; 1000 Genomes Project 30x 0.00031; 1000 Genomes Project 0.00040.
gnomAD v4.1: 12 of 1,614,198 alleles (0.00074%); highest among the groups gnomAD compares: East Asian, 0.016%; no homozygotes.

Submissions (6):

Labcorp Genetics (formerly Invitae), Labcorp
Classification: Benign for Hereditary nonpolyposis colorectal neoplasms. Last evaluated: 2025-11-25. Review status: criteria provided, single submitter. Criteria: Invitae Variant Classification Sherloc (09022015). Collection method: clinical testing. Allele origin: germline.

All of Us Research Program, National Institutes of Health
Classification: Uncertain significance for Lynch syndrome. Last evaluated: 2024-04-25. Review status: criteria provided, single submitter. Criteria: ACMG Guidelines, 2015. Collection method: clinical testing. Allele origin: germline. Inheritance: Autosomal dominant inheritance. Observed: 1 variant allele, 1 heterozygote.
Comment: This missense variant replaces serine with cysteine at codon 346 of the MSH6 protein. Computational prediction suggests that this variant may not impact protein structure and function (internally defined REVEL score threshold <= 0.5, PMID: 27666373). To our knowledge, functional studies have not been reported for this variant. This variant has not been reported in individuals affected with MSH6-related disorders in the literature. This variant has been identified in 3/251290 chromosomes in the general population by the Genome Aggregation Database (gnomAD). The available evidence is insufficient to determine the role of this variant in disease conclusively. Therefore, this variant is classified as a Variant of Uncertain Significance.

This study involves interpretation of variants in research participants for the purpose of population health screening. Participant phenotype was not available at the time of variant classification. Additional details can be found in publication PMID: 35346344, PMCID: PMC8962531

Color Diagnostics, LLC DBA Color Health
Classification: Uncertain significance for Hereditary cancer-predisposing syndrome. Last evaluated: 2024-04-12. Review status: criteria provided, single submitter. Criteria: ACMG Guidelines, 2015. Collection method: clinical testing. Allele origin: germline.
Comment: This missense variant replaces serine with cysteine at codon 346 of the MSH6 protein. Computational prediction suggests that this variant may not impact protein structure and function (internally defined REVEL score threshold <= 0.5, PMID: 27666373). To our knowledge, functional studies have not been reported for this variant. This variant has not been reported in individuals affected with MSH6-related disorders in the literature. This variant has been identified in 3/251290 chromosomes in the general population by the Genome Aggregation Database (gnomAD). The available evidence is insufficient to determine the role of this variant in disease conclusively. Therefore, this variant is classified as a Variant of Uncertain Significance.

Ambry Genetics
Classification: Uncertain significance for Hereditary cancer-predisposing syndrome. Last evaluated: 2023-08-25. Review status: criteria provided, single submitter. Criteria: Ambry Variant Classification Scheme 2023. Collection method: clinical testing. Allele origin: germline.
Comment: The p.S346C variant (also known as c.1037C>G), located in coding exon 4 of the MSH6 gene, results from a C to G substitution at nucleotide position 1037. The serine at codon 346 is replaced by cysteine, an amino acid with dissimilar properties. This amino acid position is not well conserved in available vertebrate species. In addition, this alteration is predicted to be tolerated by in silico analysis. Since supporting evidence is limited at this time, the clinical significance of this alteration remains unclear.

GeneDx
Classification: Uncertain significance. Last evaluated: 2022-09-02. Review status: criteria provided, single submitter. Criteria: GeneDx Variant Classification Process June 2021. Collection method: clinical testing. Allele origin: germline. Affected: yes.
Comment: In silico analysis supports that this missense variant does not alter protein structure/function; Has not been previously published as pathogenic or benign to our knowledge; This variant is associated with the following publications: (PMID: 21437237)

Department of Pathology and Laboratory Medicine, Sinai Health System
Classification: Uncertain significance for Malignant tumor of breast. Review status: no assertion criteria provided. Collection method: clinical testing. Allele origin: unknown. Affected: yes. Observed: 2 variant alleles. Study: The Canadian Open Genetics Repository (COGR). Not counted in ClinVar's aggregate classification.
Comment: The MSH6 p.Ser346Cys variant was not identified in the literature nor was it identified in the following databases: COGR, COSMIC, MutDB, UMD-LSDB, Insight Colon Cancer Gene Variant Database, Zhejiang Colon Cancer Database, Mismatch Repair Genes Variant Database, or Insight Hereditary Tumors databases. The variant was identified in dbSNP (ID: rs567785169) as â€šÃ„ÃºWith Uncertain significance alleleâ€šÃ„Ã¹, and in the ClinVar and Clinvitae databases (2x classified as uncertain significance by Invitae and GeneDx). The variant was identified in control databases in 1 of 246056 chromosomes at a frequency of 0.000004 (Genome Aggregation Database Feb 27, 2017). It was observed in the following population: East Asian in 1 of 17248 chromosomes (freq: 0.000058); it was not observed in the African, â€šÃ„ÃºOtherâ€šÃ„Ã¹, Latino, European Non-Finnish, Ashkenazi Jewish, European Finnish, and South Asian populations. The p.Ser346Cys residue is not conserved in mammals and computational analyses (PolyPhen-2, SIFT, AlignGVGD, BLOSUM, MutationTaster) provide inconsistent predictions regarding the impact to the protein; this information is not very predictive of pathogenicity. The variant occurs outside of the splicing consensus sequence and 1 of 5 in silico or computational prediction software programs (SpliceSiteFinder, MaxEntScan, NNSPLICE, GeneSplicer, HumanSpliceFinder) predict a greater than 10% difference in splicing; this is not very predictive of pathogenicity. In summary, based on the above information the clinical significance of this variant cannot be determined with certainty at this time. This variant is classified as a variant of uncertain significance.

NM_000179.3(MSH6):c.1037C>G (p.Ser346Cys)

Gene: MSH6 (mutS homolog 6; plus strand). Cytogenetic location: 2p16.3.
Variant type: single nucleotide variant.
Coding change: c.1037C>G on transcript NM_000179.3 (MANE Select); coding-DNA position 1037, C replaced by G.
Protein change: p.Ser346Cys; replaces serine 346 with cysteine.
Molecular consequence: missense variant.
Genome position (GRCh38, 1-based): chr2:47,799,020, C>G. VCF-style: chr2-47799020-C-G. GRCh37 (hg19) VCF-style: chr2-48026159-C-G.
Other names: c.647C>G, p.Ser216Cys (NM_001281492.2); c.131C>G, p.Ser44Cys (NM_001281493.2, NM_001281494.2); short protein forms S346C, S216C, S44C.
Identifiers: ClinVar variation 410527 (VCV000410527.28), dbSNP rs567785169, ClinGen allele CA16610875.
Genomic context (GRCh38, chr2:47,799,020, plus strand): 5'-CAACTAGCATTTCATCAGAAACCAAGAATACTTTGAGAGCTTTCTCTGCCCCTCAAAATT[C>G]TGAATCCCAAGCCCACGTTAGTGGAGGTGGTGATGACAGTAGTCGCCCTACTGTTTGGTA-3'
Protein context (NP_000170.1, residues 336-356): TLRAFSAPQN[Ser346Cys]ESQAHVSGGG